The following is an entry in ClinVar:

ClinVar aggregate classification (germline): Uncertain significance (1 of 4 stars; one submission).

Allele frequency attached by ClinVar (database versions not stated): gnomAD exomes below 0.00001 and 0.00002; ExAC 0.00003; gnomAD 0.00003 and 0.00004; TOPMed 0.00005; ESP Exome Variant Server 0.00008.
gnomAD v4.1: 9 of 1,597,006 alleles (0.00056%); highest among the groups gnomAD compares: African/African-American, 0.011%; no homozygotes.

Submission:

GeneDx
Classification: Uncertain significance. Last evaluated: 2016-05-23. Review status: criteria provided, single submitter. Criteria: GeneDx Variant Classification (06012015). Collection method: clinical testing. Allele origin: germline. Affected: yes.
Comment: To our knowledge, the c.162+6 T>C substitution has neither been published as a pathogenic variant, nor reported as a benign polymorphism. This substitution could possibly reduce the efficiency of the normal splice donor site located in intron 2, which could lead to the production of an abnormal message that is subject to nonsense-mediated mRNA decay or to an abnormal protein product if the message is used for translation. However, the true biochemical effect of this substitution cannot be determined without mRNA studies. In addition, to our knowledge, no splice site variants have been reported in the CD3Z gene. Given the available evidence, we interpret c.162+6 T>C as a variant of uncertain significance.

NM_198053.3(CD247):c.162+6T>C

Gene: CD247 (CD247 molecule; minus strand). Cytogenetic location: 1q24.2.
Variant type: single nucleotide variant.
Coding change: c.162+6T>C on transcript NM_198053.3 (MANE Select); 6 bases into the intron after coding-DNA position 162, T replaced by C.
Molecular consequence: intron variant.
Genome position (GRCh38, 1-based): chr1:167,440,658, A>G on the plus strand (T>C on the coding strand, the complement: CD247 is on the minus strand). VCF-style: chr1-167440658-A-G. GRCh37 (hg19) VCF-style: chr1-167409895-A-G.
Other names: c.162+6T>C (NM_000734.4); c.255+6T>C (NM_001378516.1, NM_001378515.1).
Identifiers: ClinVar variation 279740 (VCV000279740.2), dbSNP rs374209381, ClinGen allele CA1226099.